The following is an entry in ClinVar:

NM_004984.4(KIF5A):c.1422A>T (p.Gln474His)

Gene: KIF5A (kinesin family member 5A; plus strand). Cytogenetic location: 12q13.3.
Variant type: single nucleotide variant.
Coding change: c.1422A>T on transcript NM_004984.4 (MANE Select); coding-DNA position 1422, A replaced by T.
Protein change: p.Gln474His; replaces glutamine 474 with histidine.
Molecular consequence: missense variant.
Genome position (GRCh38, 1-based): chr12:57,572,120, A>T. VCF-style: chr12-57572120-A-T. GRCh37 (hg19) VCF-style: chr12-57965903-A-T.
Other names: c.1155A>T, p.Gln385His (NM_001354705.2); short protein forms Q385H, Q474H.
Identifiers: ClinVar variation 1503447 (VCV001503447.6), dbSNP rs1373971092, ClinGen allele CA385506261.

ClinVar aggregate classification (germline): Uncertain significance (1 of 4 stars; one submission).

Conditions:
Spastic paraplegia. Identifiers: MedGen C0037772, HP:0001258.

Allele frequency attached by ClinVar (database versions not stated): gnomAD exomes below 0.00001.
gnomAD v4.1: 1 of 1,614,172 alleles (0.000062%); no homozygotes.

Submission:

Labcorp Genetics (formerly Invitae), Labcorp
Classification: Uncertain significance for Spastic paraplegia. Last evaluated: 2026-01-17. Review status: criteria provided, single submitter. Criteria: Invitae Variant Classification Sherloc (09022015). Collection method: clinical testing. Allele origin: germline.
Comment: This sequence change replaces glutamine, which is neutral and polar, with histidine, which is basic and polar, at codon 474 of the KIF5A protein (p.Gln474His). This variant is present in population databases (no rsID available, gnomAD 0.0009%). This missense change has been observed in individual(s) with amyotrophic lateral sclerosis (PMID: 29342275). ClinVar contains an entry for this variant (Variation ID: 1503447). Invitae Evidence Modeling of protein sequence and biophysical properties (such as structural, functional, and spatial information, amino acid conservation, physicochemical variation, residue mobility, and thermodynamic stability) has been performed for this missense variant. However, the output from this modeling did not meet the statistical confidence thresholds required to predict the impact of this variant on KIF5A protein function. In summary, the available evidence is currently insufficient to determine the role of this variant in disease. Therefore, it has been classified as a Variant of Uncertain Significance.

Literature cited by the submitters: PubMed 29342275.